The following is an entry in ClinVar:

ClinVar aggregate classification (germline): Uncertain significance. Review status: criteria provided, multiple submitters, no conflicts (2 of 4 stars). 2 submissions from 2 submitters: Uncertain significance (2). Last evaluated 2021-10-13.

Conditions:
Tuberous sclerosis 2 (TSC2). Identifiers: Orphanet 805, MedGen C1860707, MONDO:0013199, OMIM 613254.
Hereditary cancer-predisposing syndrome. Also called: Hereditary neoplastic syndrome; Tumor predisposition; Neoplastic Syndromes, Hereditary; Hereditary Cancer Syndrome. Identifiers: Orphanet 140162, MedGen C0027672, MeSH D009386, MONDO:0015356.

Submissions (2):

Labcorp Genetics (formerly Invitae), Labcorp
Classification: Uncertain significance for Tuberous sclerosis 2. Last evaluated: 2021-10-13. Review status: criteria provided, single submitter. Criteria: Invitae Variant Classification Sherloc (09022015). Collection method: clinical testing. Allele origin: germline.
Comment: In summary, the available evidence is currently insufficient to determine the role of this variant in disease. Therefore, it has been classified as a Variant of Uncertain Significance. Advanced modeling of protein sequence and biophysical properties (such as structural, functional, and spatial information, amino acid conservation, physicochemical variation, residue mobility, and thermodynamic stability) performed at Invitae indicates that this missense variant is not expected to disrupt TSC2 protein function. This variant has not been reported in the literature in individuals affected with TSC2-related conditions. This variant is not present in population databases (ExAC no frequency). This sequence change replaces serine with tyrosine at codon 1002 of the TSC2 protein (p.Ser1002Tyr). The serine residue is highly conserved and there is a large physicochemical difference between serine and tyrosine.

Ambry Genetics
Classification: Uncertain significance for Hereditary cancer-predisposing syndrome. Last evaluated: 2021-06-18. Review status: criteria provided, single submitter. Criteria: Ambry Variant Classification Scheme 2023. Collection method: clinical testing. Allele origin: germline.
Comment: The p.S1002Y variant (also known as c.3005C>A), located in coding exon 26 of the TSC2 gene, results from a C to A substitution at nucleotide position 3005. The serine at codon 1002 is replaced by tyrosine, an amino acid with dissimilar properties. This amino acid position is highly conserved in available vertebrate species. In addition, this alteration is predicted to be deleterious by in silico analysis. Since supporting evidence is limited at this time, the clinical significance of this alteration remains unclear.

NM_000548.5(TSC2):c.3005C>A (p.Ser1002Tyr)

Gene: TSC2 (TSC complex subunit 2; plus strand). Cytogenetic location: 16p13.3.
Variant type: single nucleotide variant.
Coding change: c.3005C>A on transcript NM_000548.5 (MANE Select); coding-DNA position 3005, C replaced by A.
Protein change: p.Ser1002Tyr; replaces serine 1002 with tyrosine.
Molecular consequence: missense variant.
Genome position (GRCh38, 1-based): chr16:2,079,070, C>A. VCF-style: chr16-2079070-C-A. GRCh37 (hg19) VCF-style: chr16-2129071-C-A.
Other names: c.2873C>A, p.Ser958Tyr (NM_001077183.3, NM_001370404.1); c.3005C>A, p.Ser1002Tyr (NM_001114382.3); c.2765C>A, p.Ser922Tyr (NM_001318827.2); c.2729C>A, p.Ser910Tyr (NM_001318829.2); c.2273C>A, p.Ser758Tyr (NM_001318831.2); c.2906C>A, p.Ser969Tyr (NM_001318832.2); c.2876C>A, p.Ser959Tyr (NM_001363528.2, NM_001370405.1, NM_021055.3); short protein forms S910Y, S922Y, S758Y, S958Y, S959Y, S969Y, S1002Y.
Identifiers: ClinVar variation 1475211 (VCV001475211.8), dbSNP rs748261129, ClinGen allele CA394283809.
Genomic context (GRCh38, chr16:2,079,070, plus strand): 5'-TGGTCACGGCCTCTCCCTCCAGCAGGATACAGACGTCCCTCACCAGTGCCAGCTTGGGGT[C>A]TGCAGATGAGAACTCCGTGGCCCAGGCTGACGATAGCCTGAAAAACCTCCACCTGGAGCT-3'
Protein context (NP_000539.2, residues 992-1012): QTSLTSASLG[Ser1002Tyr]ADENSVAQAD